The following is an entry in ClinVar:

NM_000266.4(NDP):c.279del (p.His94fs)

Genes: NDP (norrin cystine knot growth factor NDP; minus strand), NDP-AS1 (NDP antisense RNA 1; plus strand). Cytogenetic location: Xp11.3.
Variant type: Deletion.
Coding change: c.279del on transcript NM_000266.4 (MANE Select); coding-DNA position 279, one base deleted (T; older notation c.279delT).
Protein change: p.His94fs; shifts the reading frame from histidine 94.
Molecular consequence: frameshift variant. On other transcripts: non-coding transcript variant (1).
Genome position (GRCh38, 1-based): chrX:43,949,922, A deleted on the plus strand (T on the coding strand, the reverse complement: NDP is on the minus strand). VCF-style (leftmost placement, unchanged base first): chrX-43949921-GA-G. GRCh37 (hg19) VCF-style: chrX-43809167-GA-G.
Other names: short protein forms H94fs.
Identifiers: ClinVar variation 3382653 (VCV003382653.2).

ClinVar aggregate classification (germline): Likely pathogenic (1 of 4 stars; one submission).

Conditions:
Exudative vitreoretinopathy 2, X-linked. Also called: Familial exudative vitreoretinopathy, X-linked; EXUDATIVE VITREORETINOPATHY, FAMILIAL, 2; FEVR, X-LINKED; NDP-Related Familial Exudative Vitreoretinopathy (FEVR). Identifiers: Orphanet 891, MedGen C1844579, MONDO:0010588, OMIM 305390.
Atrophia bulborum hereditaria (ND). Also called: EPISKOPI BLINDNESS; Pseudoglioma; Norrie syndrome; Norrie-Warburg syndrome; Anderson-Warburg syndrome; Fetal iritis syndrome. Identifiers: Orphanet 649, MedGen C0266526, MONDO:0010691, OMIM 310600, HP:6000262.

Submission:

Juno Genomics, Hangzhou Juno Genomics, Inc
Classification: Likely pathogenic for Exudative vitreoretinopathy 2, X-linked; Atrophia bulborum hereditaria. Review status: criteria provided, single submitter. Criteria: ACMG Guidelines, 2015. Collection method: clinical testing. Allele origin: germline. Affected: yes.
Comment: Absent from controls (or at extremely low frequency if recessive) in Genome Aggregation Database, Exome Sequencing Project, 1000 Genomes Project, or Exome Aggregation Consortium.;Null variant in a gene where loss of function (LOF) is a known mechanism of disease.;The prevalence of the variant in affected individuals is significantly increased compared to the prevalence in controls.;Patient's phenotype or family history is highly specific for a disease with a single genetic etiology.